The following is an entry in ClinVar:

ClinVar aggregate classification (germline): Benign/Likely benign. Review status: criteria provided, multiple submitters, no conflicts (2 of 4 stars). 4 submissions from 4 submitters: Benign (1); Likely benign (2). 1 of the submissions does not count toward it. Last evaluated 2025-02-19.

Conditions:
FEZF1-related disorder. Also called: FEZF1-related condition.

Allele frequency attached by ClinVar (database versions not stated): ESP Exome Variant Server 0.00015; gnomAD 0.00025; TOPMed 0.00030; 1000 Genomes Project 0.00160; 1000 Genomes Project 30x 0.00172.
gnomAD v4.1: 1,055 of 1,614,220 alleles (0.065%); highest among the groups gnomAD compares: South Asian, 0.48%; 7 homozygotes.

Submissions (4):

Labcorp Genetics (formerly Invitae), Labcorp
Classification: Benign. Last evaluated: 2025-02-19. Review status: criteria provided, single submitter. Criteria: Invitae Variant Classification Sherloc (09022015). Collection method: clinical testing. Allele origin: germline.

Blueprint Genetics
Classification: Likely benign. Last evaluated: 2024-10-23. Review status: criteria provided, single submitter. Criteria: ACMG Guidelines, 2015. Collection method: clinical testing. Allele origin: germline.

Genetic Services Laboratory, University of Chicago
Classification: Likely benign. Last evaluated: 2021-12-23. Review status: criteria provided, single submitter. Criteria: ACMG Guidelines, 2015. Collection method: clinical testing. Allele origin: germline. Affected: no.

PreventionGenetics, part of Exact Sciences
Classification: Benign for FEZF1-related condition. Last evaluated: 2019-06-14. Review status: no assertion criteria provided. Collection method: clinical testing. Allele origin: germline. Not counted in ClinVar's aggregate classification.
Comment: This variant is classified as benign based on ACMG/AMP sequence variant interpretation guidelines (Richards et al. 2015 PMID: 25741868, with internal and published modifications).

NM_001024613.4(FEZF1):c.1164C>T (p.Thr388=)

Gene: FEZF1 (FEZ family zinc finger 1; minus strand). Cytogenetic location: 7q31.32.
Variant type: single nucleotide variant.
Coding change: c.1164C>T on transcript NM_001024613.4 (MANE Select); coding-DNA position 1164, C replaced by T.
Protein change: p.Thr388=; no amino-acid change (threonine 388 retained).
Molecular consequence: synonymous variant.
Genome position (GRCh38, 1-based): chr7:122,302,261, G>A on the plus strand (C>T on the coding strand, the complement: FEZF1 is on the minus strand). VCF-style: chr7-122302261-G-A. GRCh37 (hg19) VCF-style: chr7-121942315-G-A.
Other names: c.1014C>T, p.Thr338= (NM_001160264.3).
Identifiers: ClinVar variation 741676 (VCV000741676.12), dbSNP rs142377395, ClinGen allele CA4458836.
Genomic context (GRCh38, chr7:122,302,261, plus strand): 5'-ACCCTTGCCGCACGTGGGGCAGGTGAAAGGCTTCTTGTCGTTGTGGGTGTGCATGTGGAA[G>A]GTGAGGTTGTAAACCTGGTGGAAAGCCTTGTTGCAGATATTGCACTTGAACTGCTTCTCC-3'
Protein context (NP_001019784.2, residues 378-398): NKAFHQVYNL[Thr388=]FHMHTHNDKK